The following is an entry in ClinVar:

ClinVar aggregate classification (germline): Likely benign (0 of 4 stars; one submission).

Conditions:
ITGA9-related disorder. Also called: ITGA9-related condition.

gnomAD v4.1: 115 of 1,613,828 alleles (0.0071%); highest among the groups gnomAD compares: Non-Finnish European, 0.0092%; no homozygotes.

Submission:

PreventionGenetics, part of Exact Sciences
Classification: Likely benign for ITGA9-related condition. Last evaluated: 2019-06-05. Review status: no assertion criteria provided. Collection method: clinical testing. Allele origin: germline.
Comment: This variant is classified as likely benign based on ACMG/AMP sequence variant interpretation guidelines (Richards et al. 2015 PMID: 25741868, with internal and published modifications).

NM_002207.3(ITGA9):c.2890-9G>C

Genes: ITGA9 (integrin subunit alpha 9; plus strand), ITGA9-AS1 (ITGA9 antisense RNA 1; minus strand). Cytogenetic location: 3p22.2.
Variant type: single nucleotide variant.
Coding change: c.2890-9G>C on transcript NM_002207.3 (MANE Select); 9 bases into the intron before coding-DNA position 2890, G replaced by C.
Molecular consequence: intron variant.
Genome position (GRCh38, 1-based): chr3:37,803,814, G>C. VCF-style: chr3-37803814-G-C. GRCh37 (hg19) VCF-style: chr3-37845305-G-C.
Identifiers: ClinVar variation 3350311 (VCV003350311.1).